The following is an entry in ClinVar:

NM_015450.3(POT1):c.379A>T (p.Thr127Ser)

Gene: POT1 (protection of telomeres 1; minus strand). Cytogenetic location: 7q31.33.
Variant type: single nucleotide variant.
Coding change: c.379A>T on transcript NM_015450.3 (MANE Select); coding-DNA position 379, A replaced by T.
Protein change: p.Thr127Ser; replaces threonine 127 with serine.
Molecular consequence: missense variant. On other transcripts: 5 prime UTR variant (1), non-coding transcript variant (3).
Genome position (GRCh38, 1-based): chr7:124,863,517, T>A on the plus strand (A>T on the coding strand, the complement: POT1 is on the minus strand). VCF-style: chr7-124863517-T-A. GRCh37 (hg19) VCF-style: chr7-124503571-T-A.
Other names: c.-15A>T (NM_001042594.2); short protein forms T127S.
Identifiers: ClinVar variation 3936281 (VCV003936281.1).

ClinVar aggregate classification (germline): Uncertain significance (1 of 4 stars; one submission).

Conditions:
Hereditary cancer-predisposing syndrome. Also called: Tumor predisposition; Hereditary neoplastic syndrome; Hereditary Cancer Syndrome; Neoplastic Syndromes, Hereditary. Identifiers: Orphanet 140162, MedGen C0027672, MeSH D009386, MONDO:0015356.

Submission:

Ambry Genetics
Classification: Uncertain significance for Hereditary cancer-predisposing syndrome. Last evaluated: 2025-04-09. Review status: criteria provided, single submitter. Criteria: Ambry Variant Classification Scheme 2023. Collection method: clinical testing. Allele origin: germline.
Comment: The p.T127S variant (also known as c.379A>T), located in coding exon 4 of the POT1 gene, results from an A to T substitution at nucleotide position 379. The threonine at codon 127 is replaced by serine, an amino acid with similar properties. This amino acid position is conserved. In addition, this alteration is predicted to be tolerated by in silico analysis. Based on the available evidence, the clinical significance of this variant remains unclear.